The following is an entry in ClinVar:

NM_002693.3(POLG):c.2403G>C (p.Trp801Cys)

Gene: POLG (DNA polymerase gamma, catalytic subunit; minus strand). Cytogenetic location: 15q26.1.
Variant type: single nucleotide variant.
Coding change: c.2403G>C on transcript NM_002693.3 (MANE Select); coding-DNA position 2403, G replaced by C.
Protein change: p.Trp801Cys; replaces tryptophan 801 with cysteine.
Molecular consequence: missense variant.
Genome position (GRCh38, 1-based): chr15:89,322,765, C>G on the plus strand (G>C on the coding strand, the complement: POLG is on the minus strand). VCF-style: chr15-89322765-C-G. GRCh37 (hg19) VCF-style: chr15-89865996-C-G.
Other names: c.2403G>C, p.Trp801Cys (NM_001126131.2); short protein forms W801C.
Identifiers: ClinVar variation 3251855 (VCV003251855.1), dbSNP rs2509226594.

ClinVar aggregate classification (germline): Uncertain significance (1 of 4 stars; one submission).

Allele frequency attached by ClinVar (database versions not stated): gnomAD exomes below 0.00001.
gnomAD v4.1: 4 of 1,614,134 alleles (0.00025%); highest among the groups gnomAD compares: Non-Finnish European, 0.00034%; no homozygotes.

Submission:

Women's Health and Genetics/Laboratory Corporation of America, LabCorp
Classification: Uncertain significance. Last evaluated: 2024-04-19. Review status: criteria provided, single submitter. Criteria: LabCorp Variant Classification Summary - May 2015. Collection method: clinical testing. Allele origin: germline.
Comment: Variant summary: POLG c.2403G>C (p.Trp801Cys) results in a non-conservative amino acid change located in the DNA polymerase gamma, palm domain (IPR047580) of the encoded protein sequence. Five of five in-silico tools predict a damaging effect of the variant on protein function. The variant was absent in 251242 control chromosomes. The available data on variant occurrences in the general population are insufficient to allow any conclusion about variant significance. c.2403G>C has been reported in the literature in at least one compound heterozygous individual affected with POLG-Related Spectrum Disorder (e.g. Papandreou_2018). These data do not provide sufficient evidence to allow any conclusion about variant significance. To our knowledge, no experimental evidence demonstrating an impact on protein function has been reported. The following publication has been ascertained in the context of this evaluation (PMID: 30167885). No submitters have cited clinical-significance assessments for this variant to ClinVar. Based on the evidence outlined above, the variant was classified as uncertain significance.

Literature cited by the submitters: PubMed 30167885.